The following is an entry in ClinVar:

ClinVar aggregate classification (germline): Uncertain significance (1 of 4 stars; one submission).

Conditions:
Hereditary diffuse gastric adenocarcinoma (HDGC). Also called: DIFFUSE GASTRIC AND LOBULAR BREAST CANCER SYNDROME. Identifiers: Orphanet 26106, MedGen C1708349, MONDO:0007648, OMIM 137215.

Allele frequency attached by ClinVar (database versions not stated): gnomAD exomes below 0.00001.
gnomAD v4.1: 1 of 1,614,230 alleles (0.000062%); highest among the groups gnomAD compares: South Asian, 0.0011%; no homozygotes.

Submission:

Labcorp Genetics (formerly Invitae), Labcorp
Classification: Uncertain significance for Hereditary diffuse gastric adenocarcinoma. Last evaluated: 2022-08-16. Review status: criteria provided, single submitter. Criteria: Invitae Variant Classification Sherloc (09022015). Collection method: clinical testing. Allele origin: germline.
Comment: In summary, the available evidence is currently insufficient to determine the role of this variant in disease. Therefore, it has been classified as a Variant of Uncertain Significance. Variants that disrupt the consensus splice site are a relatively common cause of aberrant splicing (PMID: 17576681, 9536098). Algorithms developed to predict the effect of sequence changes on RNA splicing suggest that this variant is not likely to affect RNA splicing. ClinVar contains an entry for this variant (Variation ID: 1435380). This variant has not been reported in the literature in individuals affected with CDH1-related conditions. This variant is not present in population databases (gnomAD no frequency). This sequence change falls in intron 10 of the CDH1 gene. It does not directly change the encoded amino acid sequence of the CDH1 protein. It affects a nucleotide within the consensus splice site.

Literature cited by the submitters: PubMed 17576681; PubMed 9536098.

NM_004360.5(CDH1):c.1566-3C>T

Gene: CDH1 (cadherin 1; plus strand). Cytogenetic location: 16q22.1.
Variant type: single nucleotide variant.
Coding change: c.1566-3C>T on transcript NM_004360.5 (MANE Select); 3 bases into the intron before coding-DNA position 1566, C replaced by T.
Molecular consequence: intron variant.
Genome position (GRCh38, 1-based): chr16:68,819,277, C>T. VCF-style: chr16-68819277-C-T. GRCh37 (hg19) VCF-style: chr16-68853180-C-T.
Other names: c.18-3C>T (NM_001317185.2); c.-254-2724C>T (NM_001317186.2); c.1383-3C>T (NM_001317184.2).
Identifiers: ClinVar variation 1435380 (VCV001435380.6), dbSNP rs113057579, ClinGen allele CA2573152595.